The following is an entry in ClinVar:

ClinVar aggregate classification (germline): Uncertain significance (1 of 4 stars; one submission).

Conditions:
Werner syndrome (WRN). Identifiers: Orphanet 902, MedGen C0043119, MONDO:0010196, OMIM 277700.

Allele frequency attached by ClinVar (database versions not stated): gnomAD exomes below 0.00001.
gnomAD v4.1: 2 of 1,546,370 alleles (0.00013%); highest among the groups gnomAD compares: South Asian, 0.0012%; no homozygotes.

Submission:

Labcorp Genetics (formerly Invitae), Labcorp
Classification: Uncertain significance for Werner syndrome. Last evaluated: 2023-10-04. Review status: criteria provided, single submitter. Criteria: Invitae Variant Classification Sherloc (09022015). Collection method: clinical testing. Allele origin: germline.
Comment: This sequence change falls in intron 27 of the WRN gene. It does not directly change the encoded amino acid sequence of the WRN protein. The frequency data for this variant in the population databases is considered unreliable, as metrics indicate poor data quality at this position in the gnomAD database. This variant has not been reported in the literature in individuals affected with WRN-related conditions. Algorithms developed to predict the effect of sequence changes on RNA splicing suggest that this variant may disrupt the consensus splice site. In summary, the available evidence is currently insufficient to determine the role of this variant in disease. Therefore, it has been classified as a Variant of Uncertain Significance.

NM_000553.6(WRN):c.3310-15T>C

Gene: WRN (WRN RecQ like helicase; plus strand). Cytogenetic location: 8p12.
Variant type: single nucleotide variant.
Coding change: c.3310-15T>C on transcript NM_000553.6 (MANE Select); 15 bases into the intron before coding-DNA position 3310, T replaced by C.
Molecular consequence: intron variant.
Genome position (GRCh38, 1-based): chr8:31,143,535, T>C. VCF-style: chr8-31143535-T-C. GRCh37 (hg19) VCF-style: chr8-31001051-T-C.
Identifiers: ClinVar variation 2909972 (VCV002909972.1), dbSNP rs1330626720, ClinGen allele CA580990765.